The following is an entry in ClinVar:

NM_001267550.2(TTN):c.47513G>A (p.Arg15838Gln)

Genes: TTN-AS1 (TTN antisense RNA 1; plus strand), TTN (titin; minus strand). Cytogenetic location: 2q31.2.
Variant type: single nucleotide variant.
Coding change: c.47513G>A on transcript NM_001267550.2 (MANE Select); coding-DNA position 47513, G replaced by A.
Protein change: p.Arg15838Gln; replaces arginine 15838 with glutamine.
Molecular consequence: missense variant.
Genome position (GRCh38, 1-based): chr2:178,617,838, C>T on the plus strand (G>A on the coding strand, the complement: TTN is on the minus strand). VCF-style: chr2-178617838-C-T. GRCh37 (hg19) VCF-style: chr2-179482565-C-T.
Other names: p.R14197Q:CGA>CAA; c.42590G>A, p.Arg14197Gln (NM_001256850.1); c.39809G>A, p.Arg13270Gln (NM_133378.4); c.47513G>A (NM_001267550.1); c.20318G>A, p.Arg6773Gln (NM_003319.4); c.20693G>A, p.Arg6898Gln (NM_133432.3); c.20894G>A, p.Arg6965Gln (NM_133437.4); short protein forms R15838Q, R14197Q, R13270Q, R6773Q, R6898Q, R6965Q.
Identifiers: ClinVar variation 195546 (VCV000195546.48), dbSNP rs199640194, ClinGen allele CA302828.
Genomic context (GRCh38, chr2:178,617,838, plus strand): 5'-CCAATTGGATCAGCAACTTTGACGAAGGGTGTGGCTGCACTTGGTTTTCCAACTCCAATT[C>T]GATTTTGGGCTCTCACTCGGAAACTGTACTCCTGTCCTTCTACCACATCAGTAACAGTTG-3'
Protein context (NP_001254479.2, residues 15828-15848): EYSFRVRAQN[Arg15838Gln]IGVGKPSAAT

ClinVar aggregate classification (germline): Conflicting classifications of pathogenicity. Review status: criteria provided, conflicting classifications (1 of 4 stars). 15 submissions from 15 submitters: Uncertain significance (7); Benign (1); Likely benign (5). 2 of the submissions do not count toward it. Last evaluated 2025-03-17.

Conditions:
TTN-related disorder. Also called: TTN-related condition; TTN-related disease; TTN-related disorders.
Cardiovascular phenotype. Identifiers: MedGen CN230736.
Dilated cardiomyopathy 1G (CMD1G). Identifiers: Orphanet 154, MedGen C1858763, MONDO:0011400, OMIM 604145.
Autosomal recessive limb-girdle muscular dystrophy type 2J (LGMDR10). Also called: Limb-girdle muscular dystrophy, type 2J; MUSCULAR DYSTROPHY, LIMB-GIRDLE, AUTOSOMAL RECESSIVE 10. Identifiers: Orphanet 140922, MedGen C1837342, MONDO:0012127, OMIM 608807.
Cardiomyopathy (CMYO). Also called: Cardiomyopathies. Identifiers: Orphanet 167848, MedGen C0878544, MONDO:0004994, HP:0001638. Inheritance: Various modes of inheritance.
Early-onset myopathy with fatal cardiomyopathy (CMYO5). Also called: Salih Myopathy; CONGENITAL MYOPATHY 5 WITH CARDIOMYOPATHY. Identifiers: Orphanet 289377, MedGen C2673677, MONDO:0012714, OMIM 611705. Disease mechanism: loss of function.

Allele frequency attached by ClinVar (database versions not stated): TOPMed 0.00024; gnomAD 0.00026; gnomAD exomes 0.00028; ExAC 0.00034; ESP Exome Variant Server 0.00057.
gnomAD v4.1: 752 of 1,612,424 alleles (0.047%); highest among the groups gnomAD compares: Non-Finnish European, 0.058%; 1 homozygote.

Submissions (15):

PreventionGenetics, part of Exact Sciences
Classification: Likely benign for TTN-related condition. Last evaluated: 2025-03-17. Review status: criteria provided, single submitter. Criteria: ACMG Guidelines, 2015. Collection method: clinical testing. Allele origin: germline.
Comment: This variant is classified as likely benign based on ACMG/AMP sequence variant interpretation guidelines (Richards et al. 2015 PMID: 25741868, with internal and published modifications).

Blueprint Genetics
Classification: Likely benign. Last evaluated: 2024-11-20. Review status: criteria provided, single submitter. Criteria: ACMG Guidelines, 2015. Collection method: clinical testing. Allele origin: germline.

Revvity Omics, Revvity
Classification: Uncertain significance. Last evaluated: 2023-09-20. Review status: criteria provided, single submitter. Criteria: ACMG Guidelines, 2015. Collection method: clinical testing. Allele origin: germline.

Women's Health and Genetics/Laboratory Corporation of America, LabCorp
Classification: Likely benign. Last evaluated: 2023-01-30. Review status: criteria provided, single submitter. Criteria: LabCorp Variant Classification Summary - May 2015. Collection method: clinical testing. Allele origin: germline.
Comment: Variant summary: TTN c.39809G>A (p.Arg13270Gln) results in a conservative amino acid change located in the A-band region of the encoded protein sequence. Four of four in-silico tools predict a benign effect of the variant on protein function. The variant allele was found at a frequency of 0.00028 in 247874 control chromosomes, predominantly at a frequency of 0.0005 within the Non-Finnish European subpopulation in the gnomAD database. The observed variant frequency within Non-Finnish European control individuals in the gnomAD database is approximately equal to the estimated maximal expected allele frequency for a pathogenic variant in TTN causing Dilated Cardiomyopathy phenotype (0.00039), suggesting that the variant is a benign polymorphism found primarily in populations of Non-Finnish European origin. To our knowledge, no occurrence of c.39809G>A in individuals affected with Dilated Cardiomyopathy and no experimental evidence demonstrating its impact on protein function have been reported. A co-occurrence with a pathogenic variant has been reported via internal testing (MYBPC3 c.2374T>C, p.W792R), providing supporting evidence for a benign role. Eight clinical diagnostic laboratories have submitted clinical-significance assessments for this variant to ClinVar after 2014 and classified it as VUS (n=6) and likely benign (n=2). Based on the evidence outlined above, the variant was classified as likely benign.

CHEO Genetics Diagnostic Laboratory, Children's Hospital of Eastern Ontario
Classification: Benign for Cardiomyopathy. Last evaluated: 2022-07-08. Review status: criteria provided, single submitter. Criteria: ACMG Guidelines, 2015. Collection method: clinical testing. Allele origin: germline.

Athena Diagnostics
Classification: Uncertain significance. Last evaluated: 2020-11-24. Review status: criteria provided, single submitter. Criteria: Athena Diagnostics criteria. Collection method: clinical testing. Allele origin: unknown.

GeneDx
Classification: Likely benign. Last evaluated: 2020-10-16. Review status: criteria provided, single submitter. Criteria: GeneDx Variant Classification Process June 2021. Collection method: clinical testing. Allele origin: germline. Affected: yes.

Ambry Genetics
Classification: Likely benign for Cardiovascular phenotype. Last evaluated: 2020-07-24. Review status: criteria provided, single submitter. Criteria: Ambry Variant Classification Scheme 2023. Collection method: clinical testing. Allele origin: germline.

Baylor Genetics
Classification: Uncertain significance for Early-onset myopathy with fatal cardiomyopathy. Last evaluated: 2019-12-17. Review status: criteria provided, single submitter. Criteria: ACMG Guidelines, 2015. Collection method: clinical testing. Allele origin: unknown. Affected: yes.
Comment: This variant was determined to be of uncertain significance according to ACMG Guidelines, 2015 [PMID:25741868].

Labcorp Genetics (formerly Invitae), Labcorp
Classification: Uncertain significance for Dilated cardiomyopathy 1G; Autosomal recessive limb-girdle muscular dystrophy type 2J. Last evaluated: 2017-12-20. Review status: criteria provided, single submitter. Criteria: Invitae Variant Classification Sherloc (09022015). Collection method: clinical testing. Allele origin: germline.

ARUP Laboratories, Molecular Genetics and Genomics, ARUP Laboratories
Classification: Uncertain significance. Last evaluated: 2016-12-01. Review status: criteria provided, single submitter. Criteria: ARUP Molecular Germline Variant Investigation Process. Collection method: clinical testing. Allele origin: germline.

Laboratory for Molecular Medicine, Mass General Brigham Personalized Medicine
Classification: Uncertain significance. Last evaluated: 2015-10-26. Review status: criteria provided, single submitter. Criteria: LMM Criteria. Collection method: clinical testing. Allele origin: germline. Observed: 1 variant allele.
Comment: Variant classified as Uncertain Significance - Favor Benign. The p.Arg13270Gln v ariant in TTN has not been previously reported in individuals with cardiomyopath y, but has been identified in 32/66627 European chromosomes by the Exome Aggrega tion Consortium (ExAC; dbSNP rs199640194). Argin ine (Arg) at position 39809 is not conserved in evolutionarily distant species a nd 5 different reptile species carry a Glutamine (Gln), raising the possibility that this change may be tolerated. Additional computational prediction tools sug gest that the p.Arg13270Gln variant may not impact the protein, though this info rmation is not predictive enough to rule out pathogenicity. In summary, while th e clinical significance of the p.Arg13270Gln variant is uncertain, these data su ggest that it is more likely to be benign.

Eurofins Ntd Llc (ga)
Classification: Uncertain significance. Last evaluated: 2015-10-23. Review status: criteria provided, single submitter. Criteria: EGL Classification Definitions 2015. Collection method: clinical testing. Allele origin: germline. Observed: 4 variant alleles, 4 heterozygotes.

Clinical Genetics, Academic Medical Center
Classification: Likely benign. Review status: no assertion criteria provided. Collection method: clinical testing. Allele origin: germline. Affected: yes. Study: VKGL Data-share Consensus. Not counted in ClinVar's aggregate classification.

Joint Genome Diagnostic Labs from Nijmegen and Maastricht, Radboudumc and MUMC+
Classification: Likely benign. Review status: no assertion criteria provided. Collection method: clinical testing. Allele origin: germline. Affected: yes. Study: VKGL Data-share Consensus. Not counted in ClinVar's aggregate classification.